The following is an entry in ClinVar:

NM_001465.6(FYB1):c.1651T>C (p.Leu551=)

Gene: FYB1 (FYN binding protein 1; minus strand). Cytogenetic location: 5p13.1.
Variant type: single nucleotide variant.
Coding change: c.1651T>C on transcript NM_001465.6 (MANE Select); coding-DNA position 1651, T replaced by C.
Protein change: p.Leu551=; no amino-acid change (leucine 551 retained).
Molecular consequence: synonymous variant.
Genome position (GRCh38, 1-based): chr5:39,134,879, A>G on the plus strand (T>C on the coding strand, the complement: FYB1 is on the minus strand). VCF-style: chr5-39134879-A-G. GRCh37 (hg19) VCF-style: chr5-39134981-A-G.
Other names: c.1681T>C, p.Leu561= (NM_001243093.2, NM_018594.2); c.1651T>C, p.Leu551= (NM_001349333.2, NM_199335.5).
Identifiers: ClinVar variation 2655442 (VCV002655442.25), dbSNP rs752902614, ClinGen allele CA3246162.

ClinVar aggregate classification (germline): Likely benign. Review status: criteria provided, multiple submitters, no conflicts (2 of 4 stars). 2 submissions from 2 submitters: Likely benign (2). Last evaluated 2024-09-16.

Allele frequency attached by ClinVar (database versions not stated): gnomAD 0.00001; ExAC 0.00002; gnomAD exomes 0.00002.
gnomAD v4.1: 25 of 1,613,750 alleles (0.0015%); highest among the groups gnomAD compares: Non-Finnish European, 0.002%; no homozygotes.

Submissions (2):

Blueprint Genetics
Classification: Likely benign. Last evaluated: 2024-09-16. Review status: criteria provided, single submitter. Criteria: ACMG Guidelines, 2015. Collection method: clinical testing. Allele origin: germline.

CeGaT Center for Human Genetics Tuebingen
Classification: Likely benign. Last evaluated: 2022-09-01. Review status: criteria provided, single submitter. Criteria: CeGaT Center For Human Genetics Tuebingen Variant Classification Criteria Version 2. Collection method: clinical testing. Allele origin: germline. Affected: yes. Observed: 1 variant allele.
Comment: FYB1: BP4, BP7